The following is an entry in ClinVar:

ClinVar aggregate classification (germline): Uncertain significance. Review status: criteria provided, multiple submitters, no conflicts (2 of 4 stars). 2 submissions from 2 submitters: Uncertain significance (2). Last evaluated 2025-07-14.

Conditions:
Inborn genetic diseases. Identifiers: MedGen C0950123, MeSH D030342.

gnomAD v4.1: 52 of 1,613,246 alleles (0.0032%); highest among the groups gnomAD compares: Non-Finnish European, 0.0038%; no homozygotes.

Submissions (2):

Ambry Genetics
Classification: Uncertain significance for Inborn genetic diseases. Last evaluated: 2025-07-14. Review status: criteria provided, single submitter. Criteria: Ambry Variant Classification Scheme 2023. Collection method: clinical testing. Allele origin: germline.

GeneDx
Classification: Uncertain significance. Last evaluated: 2023-05-24. Review status: criteria provided, single submitter. Criteria: GeneDx Variant Classification Process June 2021. Collection method: clinical testing. Allele origin: germline. Affected: yes.
Comment: In silico analysis supports that this missense variant has a deleterious effect on protein structure/function; Has not been previously published as pathogenic or benign to our knowledge

NM_003193.5(TBCE):c.1496C>T (p.Pro499Leu)

Genes: B3GALNT2 (beta-1,3-N-acetylgalactosaminyltransferase 2; minus strand), TBCE (tubulin folding cofactor E; plus strand). Cytogenetic location: 1q42.3.
Variant type: single nucleotide variant.
Coding change: c.1496C>T on transcript NM_003193.5 (MANE Select); coding-DNA position 1496, C replaced by T.
Protein change: p.Pro499Leu; replaces proline 499 with leucine.
Molecular consequence: missense variant. On other transcripts: 3 prime UTR variant (1).
Genome position (GRCh38, 1-based): chr1:235,448,674, C>T. VCF-style: chr1-235448674-C-T. GRCh37 (hg19) VCF-style: chr1-235611989-C-T.
Other names: c.*1532G>A (NM_152490.5); c.1496C>T, p.Pro499Leu (NM_001079515.3); c.1649C>T, p.Pro550Leu (NM_001287801.2); c.1157C>T, p.Pro386Leu (NM_001287802.2); c.1496C>T (NM_003193.3); short protein forms P386L, P499L, P550L.
Identifiers: ClinVar variation 3343655 (VCV003343655.2).
Genomic context (GRCh38, chr1:235,448,674, plus strand): 5'-ATGCTTTATCGGATCTGTCTTAATCACATCCTTCCCCACCTTCGTTCTAATTTTAGAAGC[C>T]GGGCAGAGAAATCGAGCTGGAAAATGACCTAAAGTCATTACAGTTTTATTCTGTGGAAAA-3'
Protein context (NP_003184.1, residues 489-509): LLLSYESPKK[Pro499Leu]GREIELENDL